The following is an entry in ClinVar:

ClinVar aggregate classification (germline): Uncertain significance (1 of 4 stars; one submission).

Conditions:
Autosomal dominant limb-girdle muscular dystrophy type 1F (LGMDD2). Also called: MUSCULAR DYSTROPHY, LIMB-GIRDLE, AUTOSOMAL DOMINANT 2; Limb-girdle muscular dystrophy, type 1F. Identifiers: Orphanet 55595, MedGen C1842062, MONDO:0012034, OMIM 608423.

Allele frequency attached by ClinVar (database versions not stated): gnomAD 0.00004 and 0.00007; gnomAD exomes 0.00004; ExAC 0.00006; 1000 Genomes Project 30x 0.00062; 1000 Genomes Project 0.00080.
gnomAD v4.1: 44 of 1,613,954 alleles (0.0027%); highest among the groups gnomAD compares: South Asian, 0.025%; no homozygotes.

Submission:

Labcorp Genetics (formerly Invitae), Labcorp
Classification: Uncertain significance for Autosomal dominant limb-girdle muscular dystrophy type 1F. Last evaluated: 2024-04-22. Review status: criteria provided, single submitter. Criteria: Invitae Variant Classification Sherloc (09022015). Collection method: clinical testing. Allele origin: germline.
Comment: This sequence change replaces proline, which is neutral and non-polar, with leucine, which is neutral and non-polar, at codon 866 of the TNPO3 protein (p.Pro866Leu). This variant is present in population databases (rs199600419, gnomAD 0.02%). This variant has not been reported in the literature in individuals affected with TNPO3-related conditions. ClinVar contains an entry for this variant (Variation ID: 1382474). An algorithm developed to predict the effect of missense changes on protein structure and function (PolyPhen-2) suggests that this variant is likely to be tolerated. In summary, the available evidence is currently insufficient to determine the role of this variant in disease. Therefore, it has been classified as a Variant of Uncertain Significance.

NM_012470.4(TNPO3):c.2597C>T (p.Pro866Leu)

Gene: TNPO3 (transportin 3; minus strand). Cytogenetic location: 7q32.1.
Variant type: single nucleotide variant.
Coding change: c.2597C>T on transcript NM_012470.4 (MANE Select); coding-DNA position 2597, C replaced by T.
Protein change: p.Pro866Leu; replaces proline 866 with leucine.
Molecular consequence: missense variant. On other transcripts: non-coding transcript variant (18).
Genome position (GRCh38, 1-based): chr7:128,970,149, G>A on the plus strand (C>T on the coding strand, the complement: TNPO3 is on the minus strand). VCF-style: chr7-128970149-G-A. GRCh37 (hg19) VCF-style: chr7-128610203-G-A.
Other names: c.2405C>T, p.Pro802Leu (NM_001191028.3, NM_001382223.1); c.2699C>T, p.Pro900Leu (NM_001382216.1); c.2678C>T, p.Pro893Leu (NM_001382217.1); c.2597C>T, p.Pro866Leu (NM_001382218.1); c.2489C>T, p.Pro830Leu (NM_001382219.1); c.2456C>T, p.Pro819Leu (NM_001382220.1); c.2453C>T, p.Pro818Leu (NM_001382221.1); c.2450C>T, p.Pro817Leu (NM_001382222.1); short protein forms P802L, P817L, P818L, P866L, P900L, P819L, P830L, P893L.
Identifiers: ClinVar variation 1382474 (VCV001382474.8), dbSNP rs199600419, ClinGen allele CA4477844.